The following is an entry in ClinVar:

ClinVar aggregate classification (germline): Pathogenic (1 of 4 stars; one submission).

Conditions:
Immunodeficiency 23 (IMD23). Also called: IMMUNODEFICIENCY WITH HYPER IgE AND COGNITIVE IMPAIRMENT; IMMUNODEFICIENCY-VASCULITIS-MYOCLONUS SYNDROME. Identifiers: Orphanet 443811, MedGen C4014371, MONDO:0014353, OMIM 615816.

Submission:

Labcorp Genetics (formerly Invitae), Labcorp
Classification: Pathogenic for Immunodeficiency 23. Last evaluated: 2024-04-08. Review status: criteria provided, single submitter. Criteria: Invitae Variant Classification Sherloc (09022015). Collection method: clinical testing. Allele origin: germline.
Comment: This sequence change creates a premature translational stop signal (p.Val104Leufs*19) in the PGM3 gene. It is expected to result in an absent or disrupted protein product. Loss-of-function variants in PGM3 are known to be pathogenic (PMID: 17548465, 24589341, 24931394). This variant is not present in population databases (gnomAD no frequency). This variant has not been reported in the literature in individuals affected with PGM3-related conditions. For these reasons, this variant has been classified as Pathogenic.

Literature cited by the submitters: PubMed 17548465; PubMed 24589341; PubMed 24931394.

NM_015599.3(PGM3):c.226del (p.Val76fs)

Gene: PGM3 (phosphoglucomutase 3; minus strand). Cytogenetic location: 6q14.1.
Variant type: Deletion.
Coding change: c.226del on transcript NM_015599.3 (MANE Select); coding-DNA position 226, one base deleted (G; older notation c.226delG).
Protein change: p.Val76fs; shifts the reading frame from valine 76.
Molecular consequence: frameshift variant. On other transcripts: 5 prime UTR variant (1), non-coding transcript variant (1).
Genome position (GRCh38, 1-based): chr6:83,188,777, C deleted on the plus strand (G on the coding strand, the reverse complement: PGM3 is on the minus strand); the first of 2 consecutive C bases (chr6:83,188,777-83,188,778); deleting either gives the same sequence. VCF-style (leftmost placement, unchanged base first): chr6-83188776-AC-A. GRCh37 (hg19) VCF-style: chr6-83898495-AC-A.
Other names: c.310del, p.Val104fs (NM_001199917.2, NM_001367287.1); c.-18del (NM_001199918.2); c.226del, p.Val76fs (NM_001199919.2, NM_001367286.1); short protein forms V104fs, V76fs.
Identifiers: ClinVar variation 3000165 (VCV003000165.3), dbSNP rs2538211894, ClinGen allele CA2740091456.